The following is an entry in ClinVar:

NC_000022.11:g.(?_50225794)_(50255881_?)dup

Genes: HDAC10 (histone deacetylase 10; minus strand), MAPK12 (mitogen-activated protein kinase 12; minus strand), TUBGCP6 (tubulin gamma complex component 6; minus strand). Cytogenetic location: 22q13.33.
Variant type: Duplication.
Identifiers: ClinVar variation 831877 (VCV000831877.7).

ClinVar aggregate classification (germline): Uncertain significance (1 of 4 stars; one submission).

Submission:

Labcorp Genetics (formerly Invitae), Labcorp
Classification: Uncertain significance. Last evaluated: 2022-07-18. Review status: criteria provided, single submitter. Criteria: Invitae Variant Classification Sherloc (09022015). Collection method: clinical testing. Allele origin: germline.
Comment: This variant results in a copy number gain of the genomic region encompassing exon(s) 1-10 of the TUBGCP6 gene. This region includes the initiator codon of the gene. This copy number gain extends beyond the assayed region for this gene and therefore may encompass additional genes. As the precise location of this event is unknown, it may be in tandem or it may be located elsewhere in the genome. This variant has not been reported in the literature in individuals affected with TUBGCP6-related conditions. In summary, the available evidence is currently insufficient to determine the role of this variant in disease. Therefore, it has been classified as a Variant of Uncertain Significance.